The following is an entry in ClinVar:

NM_004656.4(BAP1):c.2152C>T (p.Arg718Trp)

Gene: BAP1 (BRCA1 associated deubiquitinase 1; minus strand). Cytogenetic location: 3p21.1.
Variant type: single nucleotide variant.
Coding change: c.2152C>T on transcript NM_004656.4 (MANE Select); coding-DNA position 2152, C replaced by T.
Protein change: p.Arg718Trp; replaces arginine 718 with tryptophan.
Molecular consequence: missense variant.
Genome position (GRCh38, 1-based): chr3:52,402,326, G>A on the plus strand (C>T on the coding strand, the complement: BAP1 is on the minus strand). VCF-style: chr3-52402326-G-A. GRCh37 (hg19) VCF-style: chr3-52436342-G-A.
Other names: c.2152C>T (NM_004656.2); short protein forms R718W.
Identifiers: ClinVar variation 1025377 (VCV001025377.8), dbSNP rs1186981831, ClinGen allele CA353094110.
Genomic context (GRCh38, chr3:52,402,326, plus strand): 5'-GCAGAGTCAGGGCCAGCAGTCCTCACTGGCGCTTGGCCTTGTAGGGGCGAGAGCGTTTCC[G>A]CCGGTCAGGCTTCCGCTGCTTGTGGAGCCGGCCGATGCTGACCCCTTGGCGCCGCCGCAC-3'
Protein context (NP_004647.1, residues 708-728): RLHKQRKPDR[Arg718Trp]KRSRPYKAKR

ClinVar aggregate classification (germline): Conflicting classifications of pathogenicity. Review status: criteria provided, conflicting classifications (1 of 4 stars). 2 submissions from 2 submitters: Uncertain significance (1); Benign (1). Last evaluated 2025-12-15.

Conditions:
BAP1-related tumor predisposition syndrome (TPDS1). Also called: COMMON Syndrome; Tumor susceptibility linked to germline BAP1 mutations; TUMOR PREDISPOSITION SYNDROME 1; BAP1 tumor predisposition syndrome. Identifiers: Orphanet 289539, MedGen C3280492, MONDO:0013692, OMIM 614327.
Hereditary cancer-predisposing syndrome. Also called: Hereditary Cancer Syndrome; Neoplastic Syndromes, Hereditary; Tumor predisposition; Hereditary neoplastic syndrome. Identifiers: Orphanet 140162, MedGen C0027672, MeSH D009386, MONDO:0015356.

Allele frequency attached by ClinVar (database versions not stated): gnomAD exomes below 0.00001.
gnomAD v4.1: 1 of 1,593,896 alleles (0.000063%); highest among the groups gnomAD compares: Non-Finnish European, 0.000085%; no homozygotes.

Submissions (2):

Ambry Genetics
Classification: Benign for Hereditary cancer-predisposing syndrome. Last evaluated: 2025-12-15. Review status: criteria provided, single submitter. Criteria: Ambry Variant Classification Scheme 2023. Collection method: clinical testing. Allele origin: germline.

Labcorp Genetics (formerly Invitae), Labcorp
Classification: Uncertain significance for BAP1-related tumor predisposition syndrome. Last evaluated: 2023-09-08. Review status: criteria provided, single submitter. Criteria: Invitae Variant Classification Sherloc (09022015). Collection method: clinical testing. Allele origin: germline.
Comment: In summary, the available evidence is currently insufficient to determine the role of this variant in disease. Therefore, it has been classified as a Variant of Uncertain Significance. Advanced modeling of protein sequence and biophysical properties (such as structural, functional, and spatial information, amino acid conservation, physicochemical variation, residue mobility, and thermodynamic stability) performed at Invitae indicates that this missense variant is expected to disrupt BAP1 protein function. ClinVar contains an entry for this variant (Variation ID: 1025377). This variant has not been reported in the literature in individuals affected with BAP1-related conditions. The frequency data for this variant in the population databases is considered unreliable, as metrics indicate poor data quality at this position in the gnomAD database. This sequence change replaces arginine, which is basic and polar, with tryptophan, which is neutral and slightly polar, at codon 718 of the BAP1 protein (p.Arg718Trp).

Literature cited by the submitters: PubMed 38969833 (cited by Ambry Genetics).